The following is an entry in ClinVar:

NM_000268.4(NF2):c.1737+1434A>G

Gene: NF2 (NF2, moesin-ezrin-radixin like (MERLIN) tumor suppressor; plus strand). Cytogenetic location: 22q12.2.
Variant type: single nucleotide variant.
Coding change: c.1737+1434A>G on transcript NM_000268.4 (MANE Select); 1434 bases into the intron after coding-DNA position 1737, A replaced by G.
Molecular consequence: intron variant. On other transcripts: missense variant (14).
Genome position (GRCh38, 1-based): chr22:29,683,035, A>G. VCF-style: chr22-29683035-A-G. GRCh37 (hg19) VCF-style: chr22-30079024-A-G.
Other names: c.1639A>G, p.Arg547Gly (NM_001407056.1); c.1630A>G, p.Arg544Gly (NM_001407058.1, NM_181829.3); c.1618A>G, p.Arg540Gly (NM_001407059.1); c.1504A>G, p.Arg502Gly (NM_001407063.1, NM_181830.3, NM_181831.3); c.1219A>G, p.Arg407Gly (NM_001407065.1); c.1753A>G, p.Arg585Gly (NM_001407066.1, NM_016418.5, NM_181825.3 and 1 more transcripts); c.1522A>G, p.Arg508Gly (NM_001407067.1); c.1627A>G, p.Arg543Gly (NM_181828.3); and 9 more; short protein forms R407G, R502G, R508G, R540G, R543G, R544G, R547G, R585G.
Identifiers: ClinVar variation 3368197 (VCV003368197.2).
Genomic context (GRCh38, chr22:29,683,035, plus strand): 5'-ACAGGGTATGTTTTTGTTTTTCTTCATTTTATTTTGCTGGTTTAGCCTCAAGCCCAAGGC[A>G]GAAGACCTATCTGCATTTGAGCCCTCAAAGTAGGTTGTTCCCAGGTACTCTCTATGTGGT-3'

ClinVar aggregate classification (germline): Uncertain significance. Review status: criteria provided, multiple submitters, no conflicts (2 of 4 stars). 2 submissions from 2 submitters: Uncertain significance (2). Last evaluated 2026-07-02.

Conditions:
Hereditary cancer-predisposing syndrome. Also called: Tumor predisposition; Hereditary Cancer Syndrome; Hereditary neoplastic syndrome; Neoplastic Syndromes, Hereditary. Identifiers: Orphanet 140162, MedGen C0027672, MeSH D009386, MONDO:0015356.

Submissions (2):

Ambry Genetics
Classification: Uncertain significance for Hereditary cancer-predisposing syndrome. Last evaluated: 2026-07-02. Review status: criteria provided, single submitter. Criteria: Ambry Variant Classification Scheme 2023. Collection method: clinical testing. Allele origin: germline.
Comment: The p.R585G variant (also known as c.1753A>G), located in coding exon 16 of the NF2 gene, results from an A to G substitution at nucleotide position 1753. The arginine at codon 585 is replaced by glycine, an amino acid with dissimilar properties. This amino acid position is conserved. In addition, the in silico prediction for this alteration is inconclusive. Based on the available evidence, the clinical significance of this variant remains unclear.

GeneDx
Classification: Uncertain significance. Last evaluated: 2024-01-29. Review status: criteria provided, single submitter. Criteria: GeneDx Variant Classification Process June 2021. Collection method: clinical testing. Allele origin: germline. Affected: yes.
Comment: Not observed at significant frequency in large population cohorts (gnomAD); In silico analysis supports that this variant does not alter splicing; Has not been previously published as pathogenic or benign to our knowledge; Reported using an alternate transcript of the gene; This variant is associated with the following publications: (PMID: 11756419)